The following is an entry in ClinVar:

ClinVar aggregate classification (germline): Uncertain significance. Review status: criteria provided, multiple submitters, no conflicts (2 of 4 stars). 3 submissions from 3 submitters: Uncertain significance (3). Last evaluated 2025-05-19.

Conditions:
Inborn genetic diseases. Identifiers: MedGen C0950123, MeSH D030342.
MEGF10-related myopathy (CMYO10A). Also called: Congenital myopathy 10A, severe variant. Identifiers: Orphanet 439212, MedGen C3280679, MONDO:0013731, OMIM 614399.

Allele frequency attached by ClinVar (database versions not stated): TOPMed 0.00002; gnomAD 0.00003 and 0.00007; gnomAD exomes 0.00004 and 0.00007; ExAC 0.00007; 1000 Genomes Project 30x 0.00016; 1000 Genomes Project 0.00020.

Submissions (3):

Ambry Genetics
Classification: Uncertain significance for Inborn genetic diseases. Last evaluated: 2025-05-19. Review status: criteria provided, single submitter. Criteria: Ambry Variant Classification Scheme 2023. Collection method: clinical testing. Allele origin: germline.

Labcorp Genetics (formerly Invitae), Labcorp
Classification: Uncertain significance for MEGF10-related myopathy. Last evaluated: 2020-10-21. Review status: criteria provided, single submitter. Criteria: Invitae Variant Classification Sherloc (09022015). Collection method: clinical testing. Allele origin: germline.
Comment: This variant has not been reported in the literature in individuals with MEGF10-related conditions. ClinVar contains an entry for this variant (Variation ID: 904940). In summary, the available evidence is currently insufficient to determine the role of this variant in disease. Therefore, it has been classified as a Variant of Uncertain Significance. Algorithms developed to predict the effect of missense changes on protein structure and function (SIFT, PolyPhen-2, Align-GVGD) all suggest that this variant is likely to be disruptive, but these predictions have not been confirmed by published functional studies and their clinical significance is uncertain. This variant is present in population databases (rs201512679, ExAC 0.1%). This sequence change replaces glycine with arginine at codon 636 of the MEGF10 protein (p.Gly636Arg). The glycine residue is highly conserved and there is a moderate physicochemical difference between glycine and arginine.

Illumina Laboratory Services, Illumina
Classification: Uncertain significance for MEGF10-related myopathy. Last evaluated: 2018-01-12. Review status: criteria provided, single submitter. Criteria: ICSL Variant Classification Criteria 13 December 2019. Collection method: clinical testing. Allele origin: germline.

NM_001256545.2(MEGF10):c.1906G>A (p.Gly636Arg)

Gene: MEGF10 (multiple EGF like domains 10; plus strand). Cytogenetic location: 5q23.2.
Variant type: single nucleotide variant.
Coding change: c.1906G>A on transcript NM_001256545.2 (MANE Select); coding-DNA position 1906, G replaced by A.
Protein change: p.Gly636Arg; replaces glycine 636 with arginine.
Molecular consequence: missense variant.
Genome position (GRCh38, 1-based): chr5:127,434,752, G>A. VCF-style: chr5-127434752-G-A. GRCh37 (hg19) VCF-style: chr5-126770444-G-A.
Other names: c.1906G>A, p.Gly636Arg (NM_032446.3); short protein forms G636R.
Identifiers: ClinVar variation 904940 (VCV000904940.11), dbSNP rs201512679, ClinGen allele CA3391779.